The following is an entry in ClinVar:

ClinVar aggregate classification (germline): Uncertain significance (1 of 4 stars; one submission).

Conditions:
Nephronophthisis. Also called: Juvenile Nephronophthisis. Identifiers: Orphanet 655, MedGen C0687120, MONDO:0019005, HP:0000090.

Allele frequency attached by ClinVar (database versions not stated): TOPMed below 0.00001; gnomAD 0.00001.
gnomAD v4.1: 11 of 1,613,750 alleles (0.00068%); highest among the groups gnomAD compares: Non-Finnish European, 0.00093%; no homozygotes.

Submission:

Labcorp Genetics (formerly Invitae), Labcorp
Classification: Uncertain significance for Nephronophthisis. Last evaluated: 2022-07-06. Review status: criteria provided, single submitter. Criteria: Invitae Variant Classification Sherloc (09022015). Collection method: clinical testing. Allele origin: germline.
Comment: This variant has not been reported in the literature in individuals affected with INVS-related conditions. This variant is not present in population databases (gnomAD no frequency). This sequence change replaces glutamic acid, which is acidic and polar, with aspartic acid, which is acidic and polar, at codon 114 of the INVS protein (p.Glu114Asp). Algorithms developed to predict the effect of missense changes on protein structure and function (SIFT, PolyPhen-2, Align-GVGD) all suggest that this variant is likely to be tolerated. In summary, the available evidence is currently insufficient to determine the role of this variant in disease. Therefore, it has been classified as a Variant of Uncertain Significance.

NM_014425.5(INVS):c.342G>C (p.Glu114Asp)

Gene: INVS (inversin; plus strand). Cytogenetic location: 9q31.1.
Variant type: single nucleotide variant.
Coding change: c.342G>C on transcript NM_014425.5 (MANE Select); coding-DNA position 342, G replaced by C.
Protein change: p.Glu114Asp; replaces glutamic acid 114 with aspartic acid.
Molecular consequence: missense variant. On other transcripts: 5 prime UTR variant (1), non-coding transcript variant (1).
Genome position (GRCh38, 1-based): chr9:100,226,130, G>C. VCF-style: chr9-100226130-G-C. GRCh37 (hg19) VCF-style: chr9-102988412-G-C.
Other names: c.54G>C, p.Glu18Asp (NM_001318381.2); c.-648G>C (NM_001318382.2); short protein forms E114D, E18D.
Identifiers: ClinVar variation 2014405 (VCV002014405.2), dbSNP rs1222088207, ClinGen allele CA374359182.